The following is an entry in ClinVar:

ClinVar aggregate classification (germline): Uncertain significance (1 of 4 stars; one submission).

gnomAD v4.1: 10 of 1,612,468 alleles (0.00062%); highest among the groups gnomAD compares: Non-Finnish European, 0.00085%; no homozygotes.

Submission:

Ambry Genetics
Classification: Uncertain significance. Last evaluated: 2024-09-16. Review status: criteria provided, single submitter. Criteria: Ambry Variant Classification Scheme 2023. Collection method: clinical testing. Allele origin: germline.
Comment: The p.V914L variant (also known as c.2740G>T), located in coding exon 4 of the ALPK2 gene, results from a G to T substitution at nucleotide position 2740. The valine at codon 914 is replaced by leucine, an amino acid with highly similar properties. This amino acid position is conserved. In addition, this alteration is predicted to be tolerated by in silico analysis. Based on the available evidence, the clinical significance of this variant remains unclear.

NM_052947.4(ALPK2):c.2740G>T (p.Val914Leu)

Gene: ALPK2 (alpha kinase 2; minus strand). Cytogenetic location: 18q21.31.
Variant type: single nucleotide variant.
Coding change: c.2740G>T on transcript NM_052947.4 (MANE Select); coding-DNA position 2740, G replaced by T.
Protein change: p.Val914Leu; replaces valine 914 with leucine.
Molecular consequence: missense variant.
Genome position (GRCh38, 1-based): chr18:58,537,447, C>A on the plus strand (G>T on the coding strand, the complement: ALPK2 is on the minus strand). VCF-style: chr18-58537447-C-A. GRCh37 (hg19) VCF-style: chr18-56204679-C-A.
Other names: short protein forms V914L.
Identifiers: ClinVar variation 3529591 (VCV003529591.1).